The following is an entry in ClinVar:

NM_001370466.1(NOD2):c.2736T>C (p.Ile912=)

Gene: NOD2 (nucleotide binding oligomerization domain containing 2; plus strand). Cytogenetic location: 16q12.1.
Variant type: single nucleotide variant.
Coding change: c.2736T>C on transcript NM_001370466.1 (MANE Select); coding-DNA position 2736, T replaced by C.
Protein change: p.Ile912=; no amino-acid change (isoleucine 912 retained).
Molecular consequence: synonymous variant. On other transcripts: non-coding transcript variant (1).
Genome position (GRCh38, 1-based): chr16:50,723,319, T>C. VCF-style: chr16-50723319-T-C. GRCh37 (hg19) VCF-style: chr16-50757230-T-C.
Other names: c.2817T>C (LRG_177t1); c.2736T>C, p.Ile912= (NM_001293557.2); c.2817T>C, p.Ile939= (NM_022162.3).
Identifiers: ClinVar variation 97868 (VCV000097868.15), dbSNP rs104895454, ClinGen allele CA150308.

ClinVar aggregate classification (germline): Conflicting classifications of pathogenicity. Review status: criteria provided, conflicting classifications (1 of 4 stars). 5 submissions from 4 submitters: Uncertain significance (1); Likely benign (3). 1 of the submissions does not count toward it. Last evaluated 2025-11-23.

Conditions:
Inflammatory bowel disease 1 (IBD1). Also called: Inflammatory bowel disease 1, Crohn disease; INFLAMMATORY BOWEL DISEASE (CROHN DISEASE) 1. Identifiers: MedGen CN260071, MONDO:0009960, OMIM 266600.
Blau syndrome (BLAUS). Also called: ARTHROCUTANEOUVEAL GRANULOMATOSIS; GRANULOMATOSIS, FAMILIAL JUVENILE SYSTEMIC; GRANULOMATOSIS, FAMILIAL, BLAU TYPE; GRANULOMATOUS INFLAMMATORY ARTHRITIS, DERMATITIS, AND UVEITIS, FAMILIAL; JABS SYNDROME. Identifiers: Orphanet 90340, MedGen C5201146, MONDO:0008523, OMIM 186580.
Regional enteritis. Also called: Enteritis, Granulomatous. Identifiers: MedGen C0678202, MeSH D003424.

Allele frequency attached by ClinVar (database versions not stated): ExAC 0.00003; gnomAD 0.00004; gnomAD exomes 0.00004 and 0.00006; TOPMed 0.00006; ESP Exome Variant Server 0.00023.
gnomAD v4.1: 95 of 1,613,714 alleles (0.0059%); highest among the groups gnomAD compares: Non-Finnish European, 0.0076%; no homozygotes.

Submissions (5):

Labcorp Genetics (formerly Invitae), Labcorp
Classification: Likely benign for Regional enteritis; Blau syndrome. Last evaluated: 2025-11-23. Review status: criteria provided, single submitter. Criteria: Invitae Variant Classification Sherloc (09022015). Collection method: clinical testing. Allele origin: germline.

Blueprint Genetics
Classification: Likely benign. Last evaluated: 2024-05-24. Review status: criteria provided, single submitter. Criteria: ACMG Guidelines, 2015. Collection method: clinical testing. Allele origin: germline.

Illumina Laboratory Services, Illumina
Classification: Likely benign for Blau syndrome. Last evaluated: 2018-01-13. Review status: criteria provided, single submitter. Criteria: ICSL Variant Classification Criteria 13 December 2019. Collection method: clinical testing. Allele origin: germline.
Comment: This variant was observed in the ICSL laboratory as part of a predisposition screen in an ostensibly healthy population. It had not been previously curated by ICSL or reported in the Human Gene Mutation Database (HGMD: prior to June 1st, 2018), and was therefore a candidate for classification through an automated scoring system. Utilizing variant allele frequency, disease prevalence and penetrance estimates, and inheritance mode, an automated score was calculated to assess if this variant is too frequent to cause the disease. Based on the score and internal cut-off values, a variant classified as likely benign is not then subjected to further curation. The score for this variant resulted in a classification of likely benign for this disease.

Illumina Laboratory Services, Illumina
Classification: Uncertain significance for Inflammatory bowel disease 1. Last evaluated: 2018-01-13. Review status: criteria provided, single submitter. Criteria: ICSL Variant Classification Criteria 13 December 2019. Collection method: clinical testing. Allele origin: germline.

Unité médicale des maladies autoinflammatoires, CHRU Montpellier
No classification provided. Condition: Sarcoidosis, early-onset. Review status: no classification provided. Collection method: not provided. Allele origin: unknown. Not counted in ClinVar's aggregate classification.
Comment: also involved in OMIM 186580 and 266600